The following is an entry in ClinVar:

ClinVar aggregate classification (germline): Uncertain significance (1 of 4 stars; one submission).

Conditions:
Catecholaminergic polymorphic ventricular tachycardia 1. Also called: RYR2-Related Catecholaminergic Polymorphic Ventricular Tachycardia; VENTRICULAR TACHYCARDIA, CATECHOLAMINERGIC POLYMORPHIC, 1, WITH OR WITHOUT ATRIAL DYSFUNCTION AND/OR DILATED CARDIOMYOPATHY; VENTRICULAR TACHYCARDIA, STRESS-INDUCED POLYMORPHIC 1. Identifiers: Orphanet 3286, MedGen C1631597, MONDO:0011484, OMIM 604772.

Submission:

Labcorp Genetics (formerly Invitae), Labcorp
Classification: Uncertain significance for Catecholaminergic polymorphic ventricular tachycardia 1. Last evaluated: 2025-02-16. Review status: criteria provided, single submitter. Criteria: Invitae Variant Classification Sherloc (09022015). Collection method: clinical testing. Allele origin: germline.
Comment: This variant occurs in a non-coding region of the RYR2 gene. It does not change the encoded amino acid sequence of the RYR2 protein. This variant is not present in population databases (gnomAD no frequency). This variant has not been reported in the literature in individuals affected with RYR2-related conditions. Experimental studies and prediction algorithms are not available or were not evaluated, and the functional significance of this variant is currently unknown. In summary, the available evidence is currently insufficient to determine the role of this variant in disease. Therefore, it has been classified as a Variant of Uncertain Significance.

NM_001035.3(RYR2):c.14898_*118dup (p.Leu4966_Ter4968=)

Gene: RYR2 (ryanodine receptor 2; plus strand). Cytogenetic location: 1q43.
Variant type: Duplication.
Coding change: c.14898_*118dup on transcript NM_001035.3 (MANE Select); coding-DNA position 14898 through 118 bases downstream of the stop codon, 125 bases duplicated.
Protein change: p.Leu4966_Ter4968=.
Molecular consequence: no sequence alteration.
Genome position (GRCh38, 1-based): chr1:237,832,641-237,832,765, 125 bases duplicated. GRCh37 (hg19): chr1:237,995,941-237,996,065.
Identifiers: ClinVar variation 4713218 (VCV004713218.1).